The following is an entry in ClinVar:

ClinVar aggregate classification (germline): Benign (0 of 4 stars; one submission).

Conditions:
CAPN12-related disorder. Also called: CAPN12-related condition.

Allele frequency attached by ClinVar (database versions not stated): ExAC 0.00348; ESP Exome Variant Server 0.01055; 1000 Genomes Project 0.01138; TOPMed 0.01209; 1000 Genomes Project 30x 0.01218.
gnomAD v4.1: 2,931 of 1,513,812 alleles (0.19%); highest among the groups gnomAD compares: African/African-American, 3.8%; 56 homozygotes.

Submissions (4):

PreventionGenetics, part of Exact Sciences
Classification: Benign for CAPN12-related condition. Last evaluated: 2019-10-28. Review status: no assertion criteria provided. Collection method: clinical testing. Allele origin: germline.
Comment: This variant is classified as benign based on ACMG/AMP sequence variant interpretation guidelines (Richards et al. 2015 PMID: 25741868, with internal and published modifications).

Dr. Peter K. Rogan Lab, Western University
No classification provided (evidence only). Condition: Clear cell carcinoma of kidney. Review status: no classification provided. Collection method: in vitro. Allele origin: not applicable. Functional consequence: retained intron. Not counted in ClinVar's aggregate classification.

Dr. Peter K. Rogan Lab, Western University
No classification provided (evidence only). Condition: Uterine corpus endometrial carcinoma. Review status: no classification provided. Collection method: in vitro. Allele origin: not applicable. Functional consequence: retained intron. Not counted in ClinVar's aggregate classification.

Dr. Peter K. Rogan Lab, Western University
No classification provided (evidence only). Condition: Uterine corpus endometrial carcinoma. Review status: no classification provided. Collection method: in vitro. Allele origin: not applicable. Functional consequence: retained intron. Not counted in ClinVar's aggregate classification.

NM_144691.4(CAPN12):c.1530C>T (p.Gly510=)

Gene: CAPN12 (calpain 12; minus strand). Cytogenetic location: 19q13.2.
Variant type: single nucleotide variant.
Coding change: c.1530C>T on transcript NM_144691.4 (MANE Select); coding-DNA position 1530, C replaced by T.
Protein change: p.Gly510=; no amino-acid change (glycine 510 retained).
Molecular consequence: synonymous variant.
Genome position (GRCh38, 1-based): chr19:38,736,163, G>A on the plus strand (C>T on the coding strand, the complement: CAPN12 is on the minus strand). VCF-style: chr19-38736163-G-A. GRCh37 (hg19) VCF-style: chr19-39226803-G-A.
Other names: NC_000019.9:g.39226803G>A.
Identifiers: ClinVar variation 3033698 (VCV003033698.3), dbSNP rs201698633, ClinGen allele CA9418696.